The following is an entry in ClinVar:

NM_005188.4(CBL):c.1618C>G (p.Arg540Gly)

Gene: CBL (Cbl proto-oncogene; plus strand). Cytogenetic location: 11q23.3.
Variant type: single nucleotide variant.
Coding change: c.1618C>G on transcript NM_005188.4 (MANE Select); coding-DNA position 1618, C replaced by G.
Protein change: p.Arg540Gly; replaces arginine 540 with glycine.
Molecular consequence: missense variant.
Genome position (GRCh38, 1-based): chr11:119,285,243, C>G. VCF-style: chr11-119285243-C-G. GRCh37 (hg19) VCF-style: chr11-119155953-C-G.
Other names: c.1618C>G (NM_005188.2); short protein forms R540G.
Identifiers: ClinVar variation 3617316 (VCV003617316.4).

ClinVar aggregate classification (germline): Uncertain significance. Review status: criteria provided, multiple submitters, no conflicts (2 of 4 stars). 3 submissions from 3 submitters: Uncertain significance (3). Last evaluated 2025-03-29.

Conditions:
RASopathy. Also called: Noonan spectrum disorder; rasopathies. Identifiers: Orphanet 536391, MedGen C5555857, MONDO:0021060.
Cardiovascular phenotype. Identifiers: MedGen CN230736.

gnomAD v4.1: 2 of 1,614,152 alleles (0.00012%); highest among the groups gnomAD compares: Non-Finnish European, 0.00017%; no homozygotes.

Submissions (3):

Ambry Genetics
Classification: Uncertain significance for Cardiovascular phenotype. Last evaluated: 2025-03-29. Review status: criteria provided, single submitter. Criteria: Ambry Variant Classification Scheme 2023. Collection method: clinical testing. Allele origin: germline.
Comment: The p.R540G variant (also known as c.1618C>G), located in coding exon 11 of the CBL gene, results from a C to G substitution at nucleotide position 1618. The arginine at codon 540 is replaced by glycine, an amino acid with dissimilar properties. This amino acid position is conserved. In addition, the in silico prediction for this alteration is inconclusive. Based on the available evidence, the clinical significance of this variant remains unclear.

Labcorp Genetics (formerly Invitae), Labcorp
Classification: Uncertain significance for RASopathy. Last evaluated: 2024-04-13. Review status: criteria provided, single submitter. Criteria: Invitae Variant Classification Sherloc (09022015). Collection method: clinical testing. Allele origin: germline.
Comment: This sequence change replaces arginine, which is basic and polar, with glycine, which is neutral and non-polar, at codon 540 of the CBL protein (p.Arg540Gly). This variant is not present in population databases (gnomAD no frequency). This variant has not been reported in the literature in individuals affected with CBL-related conditions. Advanced modeling of protein sequence and biophysical properties (such as structural, functional, and spatial information, amino acid conservation, physicochemical variation, residue mobility, and thermodynamic stability) performed at Invitae indicates that this missense variant is not expected to disrupt CBL protein function with a negative predictive value of 95%. In summary, the available evidence is currently insufficient to determine the role of this variant in disease. Therefore, it has been classified as a Variant of Uncertain Significance.

Blueprint Genetics
Classification: Uncertain significance. Last evaluated: 2021-05-21. Review status: criteria provided, single submitter. Criteria: ACMG Guidelines, 2015. Collection method: clinical testing. Allele origin: germline.